The following is an entry in ClinVar:

NC_000008.11:g.(?_31150335)_(31167236_?)del

Gene: WRN (WRN RecQ like helicase; plus strand). Cytogenetic location: 8p12.
Variant type: Deletion.
Identifiers: ClinVar variation 528219 (VCV000528219.1).

ClinVar aggregate classification (germline): Likely pathogenic (1 of 4 stars; one submission).

Conditions:
Werner syndrome (WRN). Identifiers: Orphanet 902, MedGen C0043119, MONDO:0010196, OMIM 277700.

Submission:

Labcorp Genetics (formerly Invitae), Labcorp
Classification: Likely pathogenic for Werner syndrome. Last evaluated: 2018-06-20. Review status: criteria provided, single submitter. Criteria: Invitae Variant Classification Sherloc (09022015). Collection method: clinical testing. Allele origin: germline.
Comment: This variant is an out-of-frame deletion of the genomic region encompassing exons 31-34 of the WRN gene. While this is not anticipated to result in nonsense mediated decay, it is expected to delete 206 amino acids of the WRN protein and disrupt the amino acids encoded by the last exon. This variant has not been reported in the literature in individuals with WRN-related disease. This deletion eliminates the nuclear localization signal (NLS) motif, which is encoded by amino acids 1370-1375 in exon 34 (PMID: 9241267). Deletion of the NLS results in impaired nuclear localization of WRN protein, and therefore affects its function as a DNA helicase (PMID: 9241267, 12244128). Loss-of-function variants in WRN are known to be pathogenic (PMID: 16673358). In summary, the currently available evidence indicates that the variant is pathogenic, but additional data are needed to prove that conclusively. Therefore, this variant has been classified as Likely Pathogenic.

Literature cited by the submitters: PubMed 12244128; PubMed 9241267.